The following is an entry in ClinVar:

ClinVar aggregate classification (germline): Uncertain significance (1 of 4 stars; one submission).

gnomAD v4.1: 1 of 1,614,016 alleles (0.000062%); highest among the groups gnomAD compares: African/African-American, 0.0013%; no homozygotes.

Submission:

Labcorp Genetics (formerly Invitae), Labcorp
Classification: Uncertain significance. Last evaluated: 2024-10-30. Review status: criteria provided, single submitter. Criteria: Invitae Variant Classification Sherloc (09022015). Collection method: clinical testing. Allele origin: germline.
Comment: This sequence change replaces glycine, which is neutral and non-polar, with serine, which is neutral and polar, at codon 40 of the DUOX2 protein (p.Gly40Ser). This variant is not present in population databases (gnomAD no frequency). This variant has not been reported in the literature in individuals affected with DUOX2-related conditions. Invitae Evidence Modeling of protein sequence and biophysical properties (such as structural, functional, and spatial information, amino acid conservation, physicochemical variation, residue mobility, and thermodynamic stability) indicates that this missense variant is expected to disrupt DUOX2 protein function with a positive predictive value of 80%. In summary, the available evidence is currently insufficient to determine the role of this variant in disease. Therefore, it has been classified as a Variant of Uncertain Significance.

NM_001363711.2(DUOX2):c.118G>A (p.Gly40Ser)

Gene: DUOX2 (dual oxidase 2; minus strand). Cytogenetic location: 15q21.1.
Variant type: single nucleotide variant.
Coding change: c.118G>A on transcript NM_001363711.2 (MANE Select); coding-DNA position 118, G replaced by A.
Protein change: p.Gly40Ser; replaces glycine 40 with serine.
Molecular consequence: missense variant.
Genome position (GRCh38, 1-based): chr15:45,113,029, C>T on the plus strand (G>A on the coding strand, the complement: DUOX2 is on the minus strand). VCF-style: chr15-45113029-C-T. GRCh37 (hg19) VCF-style: chr15-45405227-C-T.
Other names: c.118G>A, p.Gly40Ser (NM_014080.5); short protein forms G40S.
Identifiers: ClinVar variation 3610736 (VCV003610736.2).
Genomic context (GRCh38, chr15:45,113,029, plus strand): 5'-CGGGCCCCCAGAACGCACCAACAGCACCACGCTCGTGGTGCCTCAGGTTGTTAAACCAGC[C>T]GTCATAGCGCTGCACTTCCCAGGGCAGTGAGAGTGCGTCCTGACTGCCTGTGGGCACAGA-3'
Protein context (NP_001350640.1, residues 30-50): SLPWEVQRYD[Gly40Ser]WFNNLRHHER